The following is an entry in ClinVar:

ClinVar aggregate classification (germline): Uncertain significance (1 of 4 stars; one submission).

Submission:

GeneDx
Classification: Uncertain significance. Last evaluated: 2026-04-26. Review status: criteria provided, single submitter. Criteria: GeneDx Variant Classification Process June 2021. Collection method: clinical testing. Allele origin: germline.
Comment: Not observed at significant frequency in large population cohorts (gnomAD); In silico analysis suggests that this missense variant does not alter protein structure/function; Has not been previously published as pathogenic or benign to our knowledge

NM_001080421.3(UNC13A):c.4350A>C (p.Glu1450Asp)

Gene: UNC13A (unc-13 homolog A; minus strand). Cytogenetic location: 19p13.11.
Variant type: single nucleotide variant.
Coding change: c.4350A>C on transcript NM_001080421.3 (MANE Select); coding-DNA position 4350, A replaced by C.
Protein change: p.Glu1450Asp; replaces glutamic acid 1450 with aspartic acid.
Molecular consequence: missense variant.
Genome position (GRCh38, 1-based): chr19:17,618,481, T>G on the plus strand (A>C on the coding strand, the complement: UNC13A is on the minus strand). VCF-style: chr19-17618481-T-G. GRCh37 (hg19) VCF-style: chr19-17729290-T-G.
Other names: c.4338A>C, p.Glu1446Asp (NM_001387021.1); c.4335A>C, p.Glu1445Asp (NM_001387022.1); c.4269A>C, p.Glu1423Asp (NM_001387023.1); short protein forms E1423D, E1445D, E1446D, E1450D.
Identifiers: ClinVar variation 5037648 (VCV005037648.1).